The following is an entry in ClinVar:

NM_015978.3(TNNI3K):c.929A>G (p.His310Arg)

Genes: FPGT-TNNI3K (FPGT-TNNI3K readthrough; plus strand), TNNI3K (TNNI3 interacting kinase; plus strand). Cytogenetic location: 1p31.1.
Variant type: single nucleotide variant.
Coding change: c.929A>G on transcript NM_015978.3 (MANE Select); coding-DNA position 929, A replaced by G.
Protein change: p.His310Arg; replaces histidine 310 with arginine.
Molecular consequence: missense variant.
Genome position (GRCh38, 1-based): chr1:74,343,176, A>G. VCF-style: chr1-74343176-A-G. GRCh37 (hg19) VCF-style: chr1-74808860-A-G.
Other names: c.1232A>G, p.His411Arg (NM_001112808.3, NM_001199327.2); short protein forms H310R, H411R.
Identifiers: ClinVar variation 1949468 (VCV001949468.5), dbSNP rs113229834, ClinGen allele CA24525261.

ClinVar aggregate classification (germline): Uncertain significance (1 of 4 stars; one submission).

gnomAD v4.1: 1 of 1,609,790 alleles (0.000062%); highest among the groups gnomAD compares: Non-Finnish European, 0.000085%; no homozygotes.

Submission:

Labcorp Genetics (formerly Invitae), Labcorp
Classification: Uncertain significance. Last evaluated: 2025-02-17. Review status: criteria provided, single submitter. Criteria: Invitae Variant Classification Sherloc (09022015). Collection method: clinical testing. Allele origin: germline.
Comment: This sequence change replaces histidine, which is basic and polar, with arginine, which is basic and polar, at codon 310 of the TNNI3K protein (p.His310Arg). This variant is not present in population databases (gnomAD no frequency). This variant has not been reported in the literature in individuals affected with TNNI3K-related conditions. ClinVar contains an entry for this variant (Variation ID: 1949468). Invitae Evidence Modeling of protein sequence and biophysical properties (such as structural, functional, and spatial information, amino acid conservation, physicochemical variation, residue mobility, and thermodynamic stability) indicates that this missense variant is not expected to disrupt TNNI3K protein function with a negative predictive value of 80%. Algorithms developed to predict the effect of sequence changes on RNA splicing suggest that this variant may create or strengthen a splice site. In summary, the available evidence is currently insufficient to determine the role of this variant in disease. Therefore, it has been classified as a Variant of Uncertain Significance.